The following is an entry in ClinVar:

ClinVar aggregate classification (germline): Conflicting classifications of pathogenicity. Review status: criteria provided, conflicting classifications (1 of 4 stars). 5 submissions from 5 submitters: Uncertain significance (4); Likely benign (1). Last evaluated 2025-12-29.

Conditions:
Cardiovascular phenotype. Identifiers: MedGen CN230736.
Dilated cardiomyopathy 1DD (CMD1DD). Identifiers: Orphanet 154, MedGen C2750995, MONDO:0013168, OMIM 613172.

Allele frequency attached by ClinVar (database versions not stated): gnomAD 0.00004 and 0.00005; gnomAD exomes 0.00004 and 0.00005; TOPMed 0.00004.
gnomAD v4.1: 72 of 1,551,496 alleles (0.0046%); highest among the groups gnomAD compares: East Asian, 0.054%; no homozygotes.

Submissions (5):

Labcorp Genetics (formerly Invitae), Labcorp
Classification: Likely benign for Dilated cardiomyopathy 1DD. Last evaluated: 2025-12-29. Review status: criteria provided, single submitter. Criteria: Invitae Variant Classification Sherloc (09022015). Collection method: clinical testing. Allele origin: germline.

Ambry Genetics
Classification: Uncertain significance for Cardiovascular phenotype. Last evaluated: 2025-05-14. Review status: criteria provided, single submitter. Criteria: Ambry Variant Classification Scheme 2023. Collection method: clinical testing. Allele origin: germline.
Comment: The p.R102Q variant (also known as c.305G>A), located in coding exon 2 of the RBM20 gene, results from a G to A substitution at nucleotide position 305. The arginine at codon 102 is replaced by glutamine, an amino acid with highly similar properties. This amino acid position is highly conserved in available vertebrate species. In addition, the in silico prediction for this alteration is inconclusive. Since supporting evidence is limited at this time, the clinical significance of this alteration remains unclear.

Molecular Diagnostic Laboratory for Inherited Cardiovascular Disease, Montreal Heart Institute
Classification: Uncertain significance for Cardiovascular phenotype. Last evaluated: 2025-04-09. Review status: criteria provided, single submitter. Criteria: ACMG Guidelines, 2015. Collection method: clinical testing. Allele origin: germline. Affected: yes.
Comment: BS1

GeneDx
Classification: Uncertain significance. Last evaluated: 2019-07-11. Review status: criteria provided, single submitter. Criteria: GeneDx Variant Classification Process June 2021. Collection method: clinical testing. Allele origin: germline. Affected: yes.
Comment: Has not been previously published as pathogenic or benign to our knowledge; In silico analysis, which includes protein predictors and evolutionary conservation, supports that this variant does not alter protein structure/function

Illumina Laboratory Services, Illumina
Classification: Uncertain significance for Dilated cardiomyopathy 1DD. Last evaluated: 2018-01-13. Review status: criteria provided, single submitter. Criteria: ICSL Variant Classification Criteria 13 December 2019. Collection method: clinical testing. Allele origin: germline.

NM_001134363.3(RBM20):c.305G>A (p.Arg102Gln)

Gene: RBM20 (RNA binding motif protein 20; plus strand). Cytogenetic location: 10q25.2.
Variant type: single nucleotide variant.
Coding change: c.305G>A on transcript NM_001134363.3 (MANE Select); coding-DNA position 305, G replaced by A.
Protein change: p.Arg102Gln; replaces arginine 102 with glutamine.
Molecular consequence: missense variant.
Genome position (GRCh38, 1-based): chr10:110,780,914, G>A. VCF-style: chr10-110780914-G-A. GRCh37 (hg19) VCF-style: chr10-112540672-G-A.
Other names: c.305G>A (LRG_382t1, NM_001134363.2); short protein forms R102Q.
Identifiers: ClinVar variation 298786 (VCV000298786.16), dbSNP rs886046699, ClinGen allele CA10630981.